The following is an entry in ClinVar:

ClinVar aggregate classification (germline): Uncertain significance (1 of 4 stars; one submission).

Submission:

CeGaT Center for Human Genetics Tuebingen
Classification: Uncertain significance. Last evaluated: 2026-01-01. Review status: criteria provided, single submitter. Criteria: CeGaT Center For Human Genetics Tuebingen Variant Classification Criteria Version 2. Collection method: clinical testing. Allele origin: germline. Affected: yes. Observed: 1 variant allele.
Comment: ERBB4: PM2

NM_005235.3(ERBB4):c.3049A>T (p.Met1017Leu)

Gene: ERBB4 (erb-b2 receptor tyrosine kinase 4; minus strand). Cytogenetic location: 2q34.
Variant type: single nucleotide variant.
Coding change: c.3049A>T on transcript NM_005235.3 (MANE Select); coding-DNA position 3049, A replaced by T.
Protein change: p.Met1017Leu; replaces methionine 1017 with leucine.
Molecular consequence: missense variant.
Genome position (GRCh38, 1-based): chr2:211,420,527, T>A on the plus strand (A>T on the coding strand, the complement: ERBB4 is on the minus strand). VCF-style: chr2-211420527-T-A. GRCh37 (hg19) VCF-style: chr2-212285252-T-A.
Other names: c.3049A>T, p.Met1017Leu (NM_001042599.2); c.3019A>T, p.Met1007Leu (NM_001439005.1, NM_001439006.1); short protein forms M1007L, M1017L.
Identifiers: ClinVar variation 4822832 (VCV004822832.4).